The following is an entry in ClinVar:

NM_001563.4(IMPG1):c.2107G>C (p.Glu703Gln)

Gene: IMPG1 (interphotoreceptor matrix proteoglycan 1; minus strand). Cytogenetic location: 6q14.1.
Variant type: single nucleotide variant.
Coding change: c.2107G>C on transcript NM_001563.4 (MANE Select); coding-DNA position 2107, G replaced by C.
Protein change: p.Glu703Gln; replaces glutamic acid 703 with glutamine.
Molecular consequence: missense variant.
Genome position (GRCh38, 1-based): chr6:75,931,089, C>G on the plus strand (G>C on the coding strand, the complement: IMPG1 is on the minus strand). VCF-style: chr6-75931089-C-G. GRCh37 (hg19) VCF-style: chr6-76640806-C-G.
Other names: c.1873G>C, p.Glu625Gln (NM_001282368.2); short protein forms E703Q, E625Q.
Identifiers: ClinVar variation 2761628 (VCV002761628.3), dbSNP rs781277194, ClinGen allele CA364769884.

ClinVar aggregate classification (germline): Uncertain significance (1 of 4 stars; one submission).

Submission:

Labcorp Genetics (formerly Invitae), Labcorp
Classification: Uncertain significance. Last evaluated: 2024-02-26. Review status: criteria provided, single submitter. Criteria: Invitae Variant Classification Sherloc (09022015). Collection method: clinical testing. Allele origin: germline.
Comment: This sequence change replaces glutamic acid, which is acidic and polar, with glutamine, which is neutral and polar, at codon 703 of the IMPG1 protein (p.Glu703Gln). This variant is not present in population databases (gnomAD no frequency). This variant has not been reported in the literature in individuals affected with IMPG1-related conditions. An algorithm developed to predict the effect of missense changes on protein structure and function (PolyPhen-2) suggests that this variant is likely to be disruptive. In summary, the available evidence is currently insufficient to determine the role of this variant in disease. Therefore, it has been classified as a Variant of Uncertain Significance.